The following is an entry in ClinVar:

ClinVar aggregate classification (germline): Likely benign (1 of 4 stars; one submission).

Allele frequency attached by ClinVar (database versions not stated): ExAC 0.00005; gnomAD 0.00008; TOPMed 0.00009.
gnomAD v4.1: 168 of 1,605,344 alleles (0.01%); highest among the groups gnomAD compares: Non-Finnish European, 0.014%; no homozygotes.

Submission:

CeGaT Center for Human Genetics Tuebingen
Classification: Likely benign. Last evaluated: 2022-06-01. Review status: criteria provided, single submitter. Criteria: CeGaT Center For Human Genetics Tuebingen Variant Classification Criteria Version 2. Collection method: clinical testing. Allele origin: germline. Affected: yes. Observed: 1 variant allele.
Comment: AFF3: BP4, BP7

NM_001386135.1(AFF3):c.1629A>G (p.Lys543=)

Gene: AFF3 (ALF transcription elongation factor 3; minus strand). Cytogenetic location: 2q11.2.
Variant type: single nucleotide variant.
Coding change: c.1629A>G on transcript NM_001386135.1 (MANE Select); coding-DNA position 1629, A replaced by G.
Protein change: p.Lys543=; no amino-acid change (lysine 543 retained).
Molecular consequence: synonymous variant.
Genome position (GRCh38, 1-based): chr2:99,594,032, T>C on the plus strand (A>G on the coding strand, the complement: AFF3 is on the minus strand). VCF-style: chr2-99594032-T-C. GRCh37 (hg19) VCF-style: chr2-100210494-T-C.
Other names: c.1704A>G, p.Lys568= (NM_001025108.2); c.1629A>G, p.Lys543= (NM_002285.3).
Identifiers: ClinVar variation 2651191 (VCV002651191.24), dbSNP rs754626263, ClinGen allele CA1801093.